The following is an entry in ClinVar:

ClinVar aggregate classification (germline): Uncertain significance (1 of 4 stars; one submission).

Allele frequency attached by ClinVar (database versions not stated): gnomAD exomes 0.00001; TOPMed 0.00001.
gnomAD v4.1: 5 of 1,565,504 alleles (0.00032%); highest among the groups gnomAD compares: South Asian, 0.0023%; no homozygotes.

Submission:

GeneDx
Classification: Uncertain significance. Last evaluated: 2023-04-11. Review status: criteria provided, single submitter. Criteria: GeneDx Variant Classification Process June 2021. Collection method: clinical testing. Allele origin: germline. Affected: yes.
Comment: Not observed at significant frequency in large population cohorts (gnomAD); In silico analysis supports that this missense variant does not alter protein structure/function; Has not been previously published as pathogenic or benign to our knowledge

NM_016239.4(MYO15A):c.5945C>T (p.Ala1982Val)

Gene: MYO15A (myosin XVA; plus strand). Cytogenetic location: 17p11.2.
Variant type: single nucleotide variant.
Coding change: c.5945C>T on transcript NM_016239.4 (MANE Select); coding-DNA position 5945, C replaced by T.
Protein change: p.Ala1982Val; replaces alanine 1982 with valine.
Molecular consequence: missense variant.
Genome position (GRCh38, 1-based): chr17:18,143,600, C>T. VCF-style: chr17-18143600-C-T. GRCh37 (hg19) VCF-style: chr17-18046914-C-T.
Other names: short protein forms A1982V.
Identifiers: ClinVar variation 2662789 (VCV002662789.1), dbSNP rs973099931, ClinGen allele CA288406210.